The following is an entry in ClinVar:

NM_001042492.3(NF1):c.6327C>G (p.Phe2109Leu)

Gene: NF1 (neurofibromin 1; plus strand). Cytogenetic location: 17q11.2.
Variant type: single nucleotide variant.
Coding change: c.6327C>G on transcript NM_001042492.3 (MANE Select); coding-DNA position 6327, C replaced by G.
Protein change: p.Phe2109Leu; replaces phenylalanine 2109 with leucine.
Molecular consequence: missense variant.
Genome position (GRCh38, 1-based): chr17:31,336,814, C>G. VCF-style: chr17-31336814-C-G. GRCh37 (hg19) VCF-style: chr17-29663832-C-G.
Other names: c.6264C>G, p.Phe2088Leu (NM_000267.4); short protein forms F2088L, F2109L.
Identifiers: ClinVar variation 944039 (VCV000944039.8), dbSNP rs2069688250, ClinGen allele CA399012735.

ClinVar aggregate classification (germline): Uncertain significance. Review status: criteria provided, multiple submitters, no conflicts (2 of 4 stars). 3 submissions from 3 submitters: Uncertain significance (3). Last evaluated 2022-05-04.

Conditions:
Neurofibromatosis, type 1 (NF1). Also called: Peripheral type neurofibromatosis; Neurofibromatosis, type I; VON RECKLINGHAUSEN DISEASE; NEUROFIBROMATOSIS, TYPE I, SOMATIC. Identifiers: Orphanet 636, MedGen C0027831, MONDO:0018975, OMIM 162200. Disease mechanism: loss of function.

Submissions (3):

Mendelics
Classification: Uncertain significance. Last evaluated: 2022-05-04. Review status: criteria provided, single submitter. Criteria: Mendelics Assertion Criteria 2019. Collection method: clinical testing. Allele origin: germline.

Genome-Nilou Lab
Classification: Uncertain significance for Neurofibromatosis, type 1. Last evaluated: 2022-03-15. Review status: criteria provided, single submitter. Criteria: ACMG Guidelines, 2015. Collection method: clinical testing. Allele origin: germline. Affected: no.

Labcorp Genetics (formerly Invitae), Labcorp
Classification: Uncertain significance for Neurofibromatosis, type 1. Last evaluated: 2020-02-19. Review status: criteria provided, single submitter. Criteria: Invitae Variant Classification Sherloc (09022015). Collection method: clinical testing. Allele origin: germline.
Comment: In summary, the available evidence is currently insufficient to determine the role of this variant in disease. Therefore, it has been classified as a Variant of Uncertain Significance. Algorithms developed to predict the effect of missense changes on protein structure and function output the following: SIFT: "Tolerated"; PolyPhen-2: "Benign"; Align-GVGD: "Class C0". The leucine amino acid residue is found in multiple mammalian species, suggesting that this missense change does not adversely affect protein function. These predictions have not been confirmed by published functional studies and their clinical significance is uncertain. This variant has not been reported in the literature in individuals with NF1-related conditions. This variant is not present in population databases (ExAC no frequency). This sequence change replaces phenylalanine with leucine at codon 2088 of the NF1 protein (p.Phe2088Leu). The phenylalanine residue is weakly conserved and there is a small physicochemical difference between phenylalanine and leucine.